The following is an entry in ClinVar:

ClinVar aggregate classification (germline): Pathogenic (1 of 4 stars; one submission).

Conditions:
Seizures, benign familial infantile, 3 (BFIS3). Also called: CONVULSIONS, BENIGN FAMILIAL INFANTILE, 3; Familial neonatal seizures. Identifiers: Orphanet 140927, Orphanet 306, MedGen C1843140, MONDO:0011904, OMIM 607745.
Developmental and epileptic encephalopathy, 11 (DEE11). Also called: Early infantile epileptic encephalopathy 11. Identifiers: Orphanet 1934, MedGen C3150987, MONDO:0013388, OMIM 613721.

Submission:

Labcorp Genetics (formerly Invitae), Labcorp
Classification: Pathogenic for Seizures, benign familial infantile, 3; Developmental and epileptic encephalopathy, 11. Last evaluated: 2023-06-21. Review status: criteria provided, single submitter. Criteria: Invitae Variant Classification Sherloc (09022015). Collection method: clinical testing. Allele origin: germline.
Comment: This variant has not been reported in the literature in individuals affected with SCN2A-related conditions. For these reasons, this variant has been classified as Pathogenic. This variant is not present in population databases (gnomAD no frequency). This sequence change creates a premature translational stop signal (p.Gly1071*) in the SCN2A gene. It is expected to result in an absent or disrupted protein product. Loss-of-function variants in SCN2A are known to be pathogenic (PMID: 28379373).

Literature cited by the submitters: PubMed 28379373.

NM_001040142.2(SCN2A):c.3211G>T (p.Gly1071Ter)

Gene: SCN2A (sodium voltage-gated channel alpha subunit 2; plus strand). Cytogenetic location: 2q24.3.
Variant type: single nucleotide variant.
Coding change: c.3211G>T on transcript NM_001040142.2 (MANE Select); coding-DNA position 3211, G replaced by T.
Protein change: p.Gly1071Ter; replaces glycine 1071 with a stop codon.
Molecular consequence: nonsense.
Genome position (GRCh38, 1-based): chr2:165,354,483, G>T. VCF-style: chr2-165354483-G-T. GRCh37 (hg19) VCF-style: chr2-166210993-G-T.
Other names: c.3211G>T, p.Gly1071Ter (NM_001040143.2, NM_001371246.1, NM_001371247.1 and 1 more transcripts); short protein forms G1071*.
Identifiers: ClinVar variation 2949093 (VCV002949093.3), dbSNP rs1553584033, ClinGen allele CA349021278.
Genomic context (GRCh38, chr2:165,354,483, plus strand): 5'-AGCTGTATTTCCAACCATACCACCATAGAAATAGGCAAAGACCTCAATTATCTCAAAGAC[G>T]GAAATGGAACTACTAGTGGCATAGGCAGCAGTGTAGAAAAATATGTCGTGGATGAAAGTG-3'